The following is an entry in ClinVar:

ClinVar aggregate classification (germline): Uncertain significance (1 of 4 stars; one submission).

Conditions:
Noonan syndrome (NS). Also called: Noonan's syndrome. Identifiers: Orphanet 648, MedGen C0028326, MeSH D009634, MONDO:0018997. Disease mechanism: gain of function.

Submission:

Labcorp Genetics (formerly Invitae), Labcorp
Classification: Uncertain significance for Noonan syndrome. Last evaluated: 2023-11-20. Review status: criteria provided, single submitter. Criteria: Invitae Variant Classification Sherloc (09022015). Collection method: clinical testing. Allele origin: germline.
Comment: This sequence change replaces methionine, which is neutral and non-polar, with valine, which is neutral and non-polar, at codon 98 of the RRAS protein (p.Met98Val). This variant is not present in population databases (gnomAD no frequency). This variant has not been reported in the literature in individuals affected with RRAS-related conditions. ClinVar contains an entry for this variant (Variation ID: 2015833). An algorithm developed to predict the effect of missense changes on protein structure and function (PolyPhen-2) suggests that this variant is likely to be tolerated. In summary, the available evidence is currently insufficient to determine the role of this variant in disease. Therefore, it has been classified as a Variant of Uncertain Significance.

NM_006270.5(RRAS):c.292A>G (p.Met98Val)

Gene: RRAS (RAS related; minus strand). Cytogenetic location: 19q13.33.
Variant type: single nucleotide variant.
Coding change: c.292A>G on transcript NM_006270.5 (MANE Select); coding-DNA position 292, A replaced by G.
Protein change: p.Met98Val; replaces methionine 98 with valine.
Molecular consequence: missense variant.
Genome position (GRCh38, 1-based): chr19:49,636,876, T>C on the plus strand (A>G on the coding strand, the complement: RRAS is on the minus strand). VCF-style: chr19-49636876-T-C. GRCh37 (hg19) VCF-style: chr19-50140133-T-C.
Other names: short protein forms M98V.
Identifiers: ClinVar variation 2015833 (VCV002015833.4), dbSNP rs1450511485, ClinGen allele CA406847265.